The following is an entry in ClinVar:

ClinVar aggregate classification (germline): Uncertain significance. Review status: criteria provided, multiple submitters, no conflicts (2 of 4 stars). 3 submissions from 3 submitters: Uncertain significance (3). Last evaluated 2025-10-29.

Conditions:
Hereditary nonpolyposis colorectal neoplasms. Identifiers: MedGen C0009405, MeSH D003123.
Hereditary cancer-predisposing syndrome. Also called: Neoplastic Syndromes, Hereditary; Tumor predisposition; Hereditary Cancer Syndrome; Hereditary neoplastic syndrome. Identifiers: Orphanet 140162, MedGen C0027672, MeSH D009386, MONDO:0015356.

Submissions (3):

Labcorp Genetics (formerly Invitae), Labcorp
Classification: Uncertain significance for Hereditary nonpolyposis colorectal neoplasms. Last evaluated: 2025-10-29. Review status: criteria provided, single submitter. Criteria: Invitae Variant Classification Sherloc (09022015). Collection method: clinical testing. Allele origin: germline.
Comment: This sequence change replaces lysine, which is basic and polar, with threonine, which is neutral and polar, at codon 57 of the PMS2 protein (p.Lys57Thr). This variant is not present in population databases (gnomAD no frequency). This variant has not been reported in the literature in individuals affected with PMS2-related conditions. ClinVar contains an entry for this variant (Variation ID: 232906). Invitae Evidence Modeling incorporating data from in vitro experimental studies (internal data) indicates that this missense variant is not expected to disrupt PMS2 function with a negative predictive value of 95%. In summary, the available evidence is currently insufficient to determine the role of this variant in disease. Therefore, it has been classified as a Variant of Uncertain Significance.

Ambry Genetics
Classification: Uncertain significance for Hereditary cancer-predisposing syndrome. Last evaluated: 2023-12-08. Review status: criteria provided, single submitter. Criteria: Ambry Variant Classification Scheme 2023. Collection method: clinical testing. Allele origin: germline.
Comment: The p.K57T variant (also known as c.170A>C), located in coding exon 3 of the PMS2 gene, results from an A to C substitution at nucleotide position 170. The lysine at codon 57 is replaced by threonine, an amino acid with similar properties. This amino acid position is poorly conserved in available vertebrate species. In addition, the in silico prediction for this alteration is inconclusive. Since supporting evidence is limited at this time, the clinical significance of this alteration remains unclear.

GeneDx
Classification: Uncertain significance. Last evaluated: 2020-03-13. Review status: criteria provided, single submitter. Criteria: GeneDx Variant Classification Process June 2021. Collection method: clinical testing. Allele origin: germline. Affected: yes.
Comment: Not observed in large population cohorts (Lek et al., 2016); In silico analysis supports that this missense variant has a deleterious effect on protein structure/function; Has not been previously published as pathogenic or benign to our knowledge

NM_000535.7(PMS2):c.170A>C (p.Lys57Thr)

Gene: PMS2 (PMS1 homolog 2, mismatch repair system component; minus strand). Cytogenetic location: 7p22.1.
Variant type: single nucleotide variant.
Coding change: c.170A>C on transcript NM_000535.7 (MANE Select); coding-DNA position 170, A replaced by C.
Protein change: p.Lys57Thr; replaces lysine 57 with threonine.
Molecular consequence: missense variant. On other transcripts: 5 prime UTR variant (11), non-coding transcript variant (1).
Genome position (GRCh38, 1-based): chr7:6,004,052, T>G on the plus strand (A>C on the coding strand, the complement: PMS2 is on the minus strand). VCF-style: chr7-6004052-T-G. GRCh37 (hg19) VCF-style: chr7-6043683-T-G.
Other names: c.-236A>C (NM_001322003.2, NM_001322004.2, NM_001322005.2 and 3 more transcripts); c.170A>C, p.Lys57Thr (NM_001322006.2, NM_001322014.2); c.-46A>C (NM_001322007.2, NM_001322008.2); c.-715A>C (NM_001322011.2, NM_001322012.2); c.-315A>C (NM_001322015.2); short protein forms K57T.
Identifiers: ClinVar variation 232906 (VCV000232906.17), dbSNP rs765474498, ClinGen allele CA10578726.
Genomic context (GRCh38, chr7:6,004,052, plus strand): 5'-TCTTCTACCCCACATCCATTGTCTGAAACTTCAATAAGATCCACTCCATAGTCCTTAAGC[T>G]TTAGATCTAGAAAGTTTAAAATATTTACATATTTATTAAAAACGGACCCATGCTATCAGT-3'
Protein context (NP_000526.2, residues 47-67): LDAGATNIDL[Lys57Thr]LKDYGVDLIE